The following is an entry in ClinVar:

NM_001318510.2(ACSL4):c.1790A>G (p.Asp597Gly)

Gene: ACSL4 (acyl-CoA synthetase long chain family member 4; minus strand). Cytogenetic location: Xq23.
Variant type: single nucleotide variant.
Coding change: c.1790A>G on transcript NM_001318510.2 (MANE Select); coding-DNA position 1790, A replaced by G.
Protein change: p.Asp597Gly; replaces aspartic acid 597 with glycine.
Molecular consequence: missense variant.
Genome position (GRCh38, 1-based): chrX:109,659,419, T>C on the plus strand (A>G on the coding strand, the complement: ACSL4 is on the minus strand). VCF-style: chrX-109659419-T-C. GRCh37 (hg19) VCF-style: chrX-108902648-T-C.
Other names: c.1913A>G, p.Asp638Gly (NM_001318509.2, NM_022977.3); c.1790A>G, p.Asp597Gly (NM_004458.3); short protein forms D597G, D638G.
Identifiers: ClinVar variation 1703079 (VCV001703079.3), dbSNP rs2520973566, ClinGen allele CA414214358.

ClinVar aggregate classification (germline): Uncertain significance (1 of 4 stars; one submission).

Allele frequency attached by ClinVar (database versions not stated): gnomAD exomes below 0.00001.
gnomAD v4.1: 1 of 1,208,323 alleles (0.000083%); highest among the groups gnomAD compares: Non-Finnish European, 0.00011%; no homozygotes.

Submission:

Greenwood Genetic Center Diagnostic Laboratories, Greenwood Genetic Center
Classification: Uncertain significance. Last evaluated: 2022-05-31. Review status: criteria provided, single submitter. Criteria: ACMG Guidelines, 2015. Collection method: clinical testing. Allele origin: germline. Affected: yes.
Comment: PM2